The following is an entry in ClinVar:

NM_001430.5(EPAS1):c.853G>T (p.Asp285Tyr)

Gene: EPAS1 (endothelial PAS domain protein 1; plus strand). Cytogenetic location: 2p21.
Variant type: single nucleotide variant.
Coding change: c.853G>T on transcript NM_001430.5 (MANE Select); coding-DNA position 853, G replaced by T.
Protein change: p.Asp285Tyr; replaces aspartic acid 285 with tyrosine.
Molecular consequence: missense variant.
Genome position (GRCh38, 1-based): chr2:46,369,900, G>T. VCF-style: chr2-46369900-G-T. GRCh37 (hg19) VCF-style: chr2-46597039-G-T.
Other names: short protein forms D285Y.
Identifiers: ClinVar variation 3508940 (VCV003508940.1).
Genomic context (GRCh38, chr2:46,369,900, plus strand): 5'-ATTGGTTACCACCCTGAGGAGCTGCTTGGCCGCTCAGCCTATGAATTCTACCATGCGCTA[G>T]ACTCCGAGAACATGACCAAGAGTCACCAGAACTGTGAGTTCCAGGAGTGCCCCTTGTGGC-3'
Protein context (NP_001421.2, residues 275-295): RSAYEFYHAL[Asp285Tyr]SENMTKSHQN

ClinVar aggregate classification (germline): Uncertain significance (1 of 4 stars; one submission).

Conditions:
Inborn genetic diseases. Identifiers: MedGen C0950123, MeSH D030342.

Submission:

Ambry Genetics
Classification: Uncertain significance for Inborn genetic diseases. Last evaluated: 2024-07-07. Review status: criteria provided, single submitter. Criteria: Ambry Variant Classification Scheme 2023. Collection method: clinical testing. Allele origin: germline.
Comment: The p.D285Y variant (also known as c.853G>T), located in coding exon 7 of the EPAS1 gene, results from a G to T substitution at nucleotide position 853. The aspartic acid at codon 285 is replaced by tyrosine, an amino acid with highly dissimilar properties. This amino acid position is conserved. In addition, this alteration is predicted to be deleterious by in silico analysis. Based on the available evidence, the clinical significance of this variant remains unclear.